The following is an entry in ClinVar:

ClinVar aggregate classification (germline): Uncertain significance (1 of 4 stars; one submission).

Conditions:
Inborn genetic diseases. Identifiers: MedGen C0950123, MeSH D030342.

Allele frequency attached by ClinVar (database versions not stated): gnomAD 0.00001; 1000 Genomes Project 30x 0.00031.
gnomAD v4.1: 30 of 1,612,706 alleles (0.0019%); highest among the groups gnomAD compares: East Asian, 0.0045%; no homozygotes.

Submission:

Ambry Genetics
Classification: Uncertain significance for Inborn genetic diseases. Last evaluated: 2019-07-26. Review status: criteria provided, single submitter. Criteria: Ambry Variant Classification Scheme 2023. Collection method: clinical testing. Allele origin: germline.
Comment: The p.D167N variant (also known as c.499G>A), located in coding exon 5 of the CC2D1A gene, results from a G to A substitution at nucleotide position 499. The aspartic acid at codon 167 is replaced by asparagine, an amino acid with highly similar properties. This amino acid position is not well conserved in available vertebrate species. In addition, this alteration is predicted to be tolerated by in silico analysis. Since supporting evidence is limited at this time, the clinical significance of this alteration remains unclear.

NM_017721.5(CC2D1A):c.499G>A (p.Asp167Asn)

Gene: CC2D1A (coiled-coil and C2 domain containing 1A; plus strand). Cytogenetic location: 19p13.12.
Variant type: single nucleotide variant.
Coding change: c.499G>A on transcript NM_017721.5 (MANE Select); coding-DNA position 499, G replaced by A.
Protein change: p.Asp167Asn; replaces aspartic acid 167 with asparagine.
Molecular consequence: missense variant.
Genome position (GRCh38, 1-based): chr19:13,913,288, G>A. VCF-style: chr19-13913288-G-A. GRCh37 (hg19) VCF-style: chr19-14024101-G-A.
Other names: c.499G>A, p.Asp167Asn (NM_001411138.1); short protein forms D167N.
Identifiers: ClinVar variation 1744647 (VCV001744647.2), dbSNP rs769227024, ClinGen allele CA404377145.